The following is an entry in ClinVar:

NM_003242.6(TGFBR2):c.385C>G (p.Pro129Ala)

Gene: TGFBR2 (transforming growth factor beta receptor 2; plus strand). Cytogenetic location: 3p24.1.
Variant type: single nucleotide variant.
Coding change: c.385C>G on transcript NM_003242.6 (MANE Select); coding-DNA position 385, C replaced by G.
Protein change: p.Pro129Ala; replaces proline 129 with alanine.
Molecular consequence: missense variant.
Genome position (GRCh38, 1-based): chr3:30,650,391, C>G. VCF-style: chr3-30650391-C-G. GRCh37 (hg19) VCF-style: chr3-30691883-C-G.
Other names: c.460C>G, p.Pro154Ala (NM_001024847.3, NM_001407126.1, NM_001407139.1); c.385C>G, p.Pro129Ala (NM_001407127.1, NM_001407130.1); c.412C>G, p.Pro138Ala (NM_001407128.1); c.280C>G, p.Pro94Ala (NM_001407129.1, NM_001407132.1, NM_001407133.1 and 3 more transcripts); short protein forms P129A, P154A, P138A, P94A.
Identifiers: ClinVar variation 1010664 (VCV001010664.9), dbSNP rs770216059, ClinGen allele CA048140.

ClinVar aggregate classification (germline): Conflicting classifications of pathogenicity. Review status: criteria provided, conflicting classifications (1 of 4 stars). 4 submissions from 4 submitters: Uncertain significance (3); Likely benign (1). Last evaluated 2024-05-30.

Conditions:
Diabetic retinopathy. Identifiers: MedGen C0011884, MONDO:0005266.
Familial thoracic aortic aneurysm and aortic dissection (TAAD). Also called: Thoracic aortic aneurysms and dissections. Identifiers: Orphanet 91387, MedGen C4707243, MONDO:0019625.
Loeys-Dietz syndrome 2 (LDS2). Also called: Marfan syndrome, type 2 (formerly); TGFBR2-Related Loeys-Dietz Syndrome; AORTIC ANEURYSM, FAMILIAL THORACIC 3; MARFAN SYNDROME, TYPE II; Marfan like connective tissue disorder; MFS 2. Identifiers: Orphanet 284973, Orphanet 558, MedGen C2674574, MONDO:0012427, OMIM 610168.

Allele frequency attached by ClinVar (database versions not stated): gnomAD exomes below 0.00001; ExAC 0.00001.
gnomAD v4.1: 2 of 1,613,844 alleles (0.00012%); highest among the groups gnomAD compares: Admixed American, 0.0033%; no homozygotes.

Submissions (4):

All of Us Research Program, National Institutes of Health
Classification: Uncertain significance for Loeys-Dietz syndrome 2. Last evaluated: 2024-05-30. Review status: criteria provided, single submitter. Criteria: ACMG Guidelines, 2015. Collection method: clinical testing. Allele origin: germline. Inheritance: Autosomal dominant inheritance. Observed: 3 variant alleles, 3 heterozygotes.
Comment: This missense variant replaces proline with alanine at codon 129 of the TGFBR2 protein. Computational prediction suggests that this variant may not impact protein structure and function (internally defined REVEL score threshold <= 0.5, PMID: 27666373). To our knowledge, functional studies have not been reported for this variant. This variant has not been reported in individuals affected with TGFBR2-related disorders in the literature. This variant has been identified in 1/250806 chromosomes in the general population by the Genome Aggregation Database (gnomAD). The available evidence is insufficient to determine the role of this variant in disease conclusively. Therefore, this variant is classified as a Variant of Uncertain Significance.

This study involves interpretation of variants in research participants for the purpose of population health screening. Participant phenotype was not available at the time of variant classification. Additional details can be found in publication PMID: 35346344, PMCID: PMC8962531

Color Diagnostics, LLC DBA Color Health
Classification: Uncertain significance for Familial thoracic aortic aneurysm and aortic dissection. Last evaluated: 2024-05-13. Review status: criteria provided, single submitter. Criteria: ACMG Guidelines, 2015. Collection method: clinical testing. Allele origin: germline.
Comment: This missense variant replaces proline with alanine at codon 129 of the TGFBR2 protein. Computational prediction tools indicate that this variant has a neutral impact on protein structure and function. To our knowledge, functional studies have not been reported for this variant. This variant has not been reported in individuals affected with TGFBR2-related disorders in the literature. This variant has been identified in 1/250806 chromosomes in the general population by the Genome Aggregation Database (gnomAD). The available evidence is insufficient to determine the role of this variant in disease conclusively. Therefore, this variant is classified as a Variant of Uncertain Significance.

Labcorp Genetics (formerly Invitae), Labcorp
Classification: Uncertain significance for Familial thoracic aortic aneurysm and aortic dissection. Last evaluated: 2023-12-14. Review status: criteria provided, single submitter. Criteria: Invitae Variant Classification Sherloc (09022015). Collection method: clinical testing. Allele origin: germline.
Comment: This sequence change replaces proline, which is neutral and non-polar, with alanine, which is neutral and non-polar, at codon 129 of the TGFBR2 protein (p.Pro129Ala). This variant is present in population databases (rs770216059, gnomAD 0.003%). This variant has not been reported in the literature in individuals affected with TGFBR2-related conditions. ClinVar contains an entry for this variant (Variation ID: 1010664). Advanced modeling of protein sequence and biophysical properties (such as structural, functional, and spatial information, amino acid conservation, physicochemical variation, residue mobility, and thermodynamic stability) performed at Invitae indicates that this missense variant is not expected to disrupt TGFBR2 protein function with a negative predictive value of 95%. In summary, the available evidence is currently insufficient to determine the role of this variant in disease. Therefore, it has been classified as a Variant of Uncertain Significance.

Clinical Genomics, Uppaluri K&H Personalized Medicine Clinic
Classification: Likely benign for Diabetic retinopathy. Review status: criteria provided, single submitter. Criteria: K And H Uppaluri Personalized Medicine Clinic Variant Classification And Assertion Criteria Updated V 2. Collection method: research. Allele origin: unknown.
Comment: Potent mutations in TGFBR2 gene encodes the transforming growth factor that have been associated with angiogenesis and diabetic retinopathy. More clinical studies are needed for stronger association. However, more evidence is required to confer the association of this particular variant rs770216059 with diabetic retinopathy.

Literature cited by the submitters: PubMed 30222965 (cited by Clinical Genomics, Uppaluri K&H Personalized Medicine Clinic); PubMed 28162229 (cited by Clinical Genomics, Uppaluri K&H Personalized Medicine Clinic); PubMed 34572573 (cited by Clinical Genomics, Uppaluri K&H Personalized Medicine Clinic).